The following is an entry in ClinVar:

NM_018684.4(ZC4H2):c.226A>G (p.Met76Val)

Gene: ZC4H2 (zinc finger C4H2-type containing; minus strand). Cytogenetic location: Xq11.2.
Variant type: single nucleotide variant.
Coding change: c.226A>G on transcript NM_018684.4 (MANE Select); coding-DNA position 226, A replaced by G.
Protein change: p.Met76Val; replaces methionine 76 with valine.
Molecular consequence: missense variant. On other transcripts: non-coding transcript variant (1).
Genome position (GRCh38, 1-based): chrX:64,920,253, T>C on the plus strand (A>G on the coding strand, the complement: ZC4H2 is on the minus strand). VCF-style: chrX-64920253-T-C. GRCh37 (hg19) VCF-style: chrX-64140133-T-C.
Other names: c.157A>G, p.Met53Val (NM_001178032.3, NM_001243804.2); c.226A>G, p.Met76Val (NM_001178033.3); short protein forms M53V, M76V.
Identifiers: ClinVar variation 4292830 (VCV004292830.1).
Genomic context (GRCh38, chrX:64,920,253, plus strand): 5'-TCCTTGTAGACTCTAGCAGCTTGTTTAGGTCATTCTCAGATTGTTTGATAGTGTTTTCCA[T>C]CTGGAACATAGAGTGGGATAGGCACAGAGAAAAGATCCTAAGGTTCTCAGAGAGGATCTA-3'
Protein context (NP_061154.1, residues 66-86): LRLIHADINV[Met76Val]ENTIKQSEND

ClinVar aggregate classification (germline): Uncertain significance (1 of 4 stars; one submission).

Conditions:
Wieacker-Wolff syndrome. Also called: APRAXIA, OCULOMOTOR, WITH CONGENITAL CONTRACTURES AND MUSCLE ATROPHY; CONTRACTURES OF FEET, MUSCLE ATROPHY, AND OCULOMOTOR APRAXIA; Intellectual disability-developmental delay-contractures syndrome; MENTAL RETARDATION, X-LINKED, SYNDROMIC 4; MENTAL RETARDATION, X-LINKED, WITH CONGENITAL CONTRACTURES AND LOW FINGERTIP ARCHES; Miles-Carpenter syndrome. Identifiers: Orphanet 3454, Orphanet 85283, MedGen C0796200, MONDO:0010758, OMIM 314580.

gnomAD v4.1: 1 of 1,209,173 alleles (0.000083%); highest among the groups gnomAD compares: South Asian, 0.0018%; no homozygotes.

Submission:

3billion
Classification: Uncertain significance for Wieacker-Wolff syndrome. Last evaluated: 2024-12-26. Review status: criteria provided, single submitter. Criteria: ACMG Guidelines, 2015. Collection method: clinical testing. Allele origin: germline. Affected: yes.
Comment: The variant is observed at an extremely low frequency in the gnomAD v4.1.0 dataset (total allele frequency: <0.001%). Predicted Consequence/Location: Missense variant In silico tool predictions suggest damaging effect of the variant on gene or gene product [3Cnet: 0.60 (>=0.6, sensitivity 0.72 and precision 0.9)]. Therefore, this variant is classified as VUS according to the recommendation of ACMG/AMP guideline.